The following is an entry in ClinVar:

NM_001370259.2(MEN1):c.200C>G (p.Pro67Arg)

Gene: MEN1 (menin 1; minus strand). Cytogenetic location: 11q13.1.
Variant type: single nucleotide variant.
Coding change: c.200C>G on transcript NM_001370259.2 (MANE Select); coding-DNA position 200, C replaced by G.
Protein change: p.Pro67Arg; replaces proline 67 with arginine.
Molecular consequence: missense variant.
Genome position (GRCh38, 1-based): chr11:64,809,910, G>C on the plus strand (C>G on the coding strand, the complement: MEN1 is on the minus strand). VCF-style: chr11-64809910-G-C. GRCh37 (hg19) VCF-style: chr11-64577382-G-C.
Other names: c.200C>G, p.Pro67Arg (NM_000244.4, NM_001370251.2, NM_001370260.2 and 9 more transcripts); short protein forms P67R.
Identifiers: ClinVar variation 1501612 (VCV001501612.9), dbSNP rs757766498, ClinGen allele CA381187658.

ClinVar aggregate classification (germline): Uncertain significance. Review status: criteria provided, multiple submitters, no conflicts (2 of 4 stars). 2 submissions from 2 submitters: Uncertain significance (2). Last evaluated 2025-10-18.

Conditions:
Multiple endocrine neoplasia, type 1 (MEN1). Also called: MEN I; WERMER SYNDROME; Endocrine adenomatosis multiple; MEN 1; MEA I. Identifiers: Orphanet 652, MedGen C0025267, MeSH D018761, MONDO:0007540, OMIM 131100.
Hereditary cancer-predisposing syndrome. Also called: Tumor predisposition; Hereditary neoplastic syndrome; Neoplastic Syndromes, Hereditary; Hereditary Cancer Syndrome. Identifiers: Orphanet 140162, MedGen C0027672, MeSH D009386, MONDO:0015356.

Submissions (2):

Labcorp Genetics (formerly Invitae), Labcorp
Classification: Uncertain significance for Multiple endocrine neoplasia, type 1. Last evaluated: 2025-10-18. Review status: criteria provided, single submitter. Criteria: Invitae Variant Classification Sherloc (09022015). Collection method: clinical testing. Allele origin: germline.
Comment: This sequence change replaces proline, which is neutral and non-polar, with arginine, which is basic and polar, at codon 67 of the MEN1 protein (p.Pro67Arg). This variant is not present in population databases (gnomAD no frequency). This variant has not been reported in the literature in individuals affected with MEN1-related conditions. ClinVar contains an entry for this variant (Variation ID: 1501612). Invitae Evidence Modeling of protein sequence and biophysical properties (such as structural, functional, and spatial information, amino acid conservation, physicochemical variation, residue mobility, and thermodynamic stability) has been performed for this missense variant. However, the output from this modeling did not meet the statistical confidence thresholds required to predict the impact of this variant on MEN1 protein function. In summary, the available evidence is currently insufficient to determine the role of this variant in disease. Therefore, it has been classified as a Variant of Uncertain Significance.

Ambry Genetics
Classification: Uncertain significance for Hereditary cancer-predisposing syndrome. Last evaluated: 2025-01-25. Review status: criteria provided, single submitter. Criteria: Ambry Variant Classification Scheme 2023. Collection method: clinical testing. Allele origin: germline.
Comment: The p.P67R variant (also known as c.200C>G), located in coding exon 1 of the MEN1 gene, results from a C to G substitution at nucleotide position 200. The proline at codon 67 is replaced by arginine, an amino acid with dissimilar properties. This amino acid position is well conserved in available vertebrate species. In addition, the in silico prediction for this alteration is inconclusive. Since supporting evidence is limited at this time, the clinical significance of this alteration remains unclear.